The following is an entry in ClinVar:

ClinVar aggregate classification (germline): Uncertain significance (1 of 4 stars; one submission).

Allele frequency attached by ClinVar (database versions not stated): TOPMed below 0.00001; gnomAD 0.00001; gnomAD exomes 0.00001; ExAC 0.00002.
gnomAD v4.1: 20 of 1,613,870 alleles (0.0012%); highest among the groups gnomAD compares: Non-Finnish European, 0.0016%; no homozygotes.

Submission:

Labcorp Genetics (formerly Invitae), Labcorp
Classification: Uncertain significance. Last evaluated: 2024-02-17. Review status: criteria provided, single submitter. Criteria: Invitae Variant Classification Sherloc (09022015). Collection method: clinical testing. Allele origin: germline.
Comment: This sequence change replaces histidine, which is basic and polar, with glutamine, which is neutral and polar, at codon 402 of the BEST1 protein (p.His402Gln). This variant is present in population databases (rs764148803, gnomAD 0.003%). This variant has not been reported in the literature in individuals affected with BEST1-related conditions. ClinVar contains an entry for this variant (Variation ID: 1056483). Algorithms developed to predict the effect of missense changes on protein structure and function output the following: SIFT: "Not Available"; PolyPhen-2: "Benign"; Align-GVGD: "Not Available". The glutamine amino acid residue is found in multiple mammalian species, which suggests that this missense change does not adversely affect protein function. In summary, the available evidence is currently insufficient to determine the role of this variant in disease. Therefore, it has been classified as a Variant of Uncertain Significance.

NM_004183.4(BEST1):c.1206T>A (p.His402Gln)

Gene: BEST1 (bestrophin 1; plus strand). Cytogenetic location: 11q12.3.
Variant type: single nucleotide variant.
Coding change: c.1206T>A on transcript NM_004183.4 (MANE Select); coding-DNA position 1206, T replaced by A.
Protein change: p.His402Gln; replaces histidine 402 with glutamine.
Molecular consequence: missense variant. On other transcripts: non-coding transcript variant (1).
Genome position (GRCh38, 1-based): chr11:61,962,360, T>A. VCF-style: chr11-61962360-T-A. GRCh37 (hg19) VCF-style: chr11-61729832-T-A.
Other names: c.1026T>A, p.His342Gln (NM_001139443.3, NM_001300787.2); c.945T>A, p.His315Gln (NM_001300786.2); c.888T>A, p.His296Gln (NM_001363591.3); c.*101T>A (NM_001363592.2); c.234T>A, p.His78Gln (NM_001363593.3); short protein forms H296Q, H315Q, H342Q, H402Q, H78Q.
Identifiers: ClinVar variation 1056483 (VCV001056483.9), dbSNP rs764148803, ClinGen allele CA6041018.